The following is an entry in ClinVar:

ClinVar aggregate classification (germline): Likely pathogenic (1 of 4 stars; one submission).

Conditions:
Maple syrup urine disease (MSUD). Identifiers: Orphanet 511, MedGen C0024776, MeSH D008375, MONDO:0009563. Disease mechanism: loss of function.

Submission:

Labcorp Genetics (formerly Invitae), Labcorp
Classification: Likely pathogenic for Maple syrup urine disease. Last evaluated: 2021-10-27. Review status: criteria provided, single submitter. Criteria: Invitae Variant Classification Sherloc (09022015). Collection method: clinical testing. Allele origin: germline.
Comment: In summary, the currently available evidence indicates that the variant is pathogenic, but additional data are needed to prove that conclusively. Therefore, this variant has been classified as Likely Pathogenic. This variant disrupts the p.Asp104 amino acid residue in DBT. Other variant(s) that disrupt this residue have been determined to be pathogenic (Invitae). This suggests that this residue is clinically significant, and that variants that disrupt this residue are likely to be disease-causing. Advanced modeling of protein sequence and biophysical properties (such as structural, functional, and spatial information, amino acid conservation, physicochemical variation, residue mobility, and thermodynamic stability) performed at Invitae indicates that this missense variant is expected to disrupt DBT protein function. This variant has not been reported in the literature in individuals affected with DBT-related conditions. This variant is not present in population databases (gnomAD no frequency). This sequence change replaces aspartic acid, which is acidic and polar, with valine, which is neutral and non-polar, at codon 104 of the DBT protein (p.Asp104Val).

NM_001918.5(DBT):c.311A>T (p.Asp104Val)

Gene: DBT (dihydrolipoamide branched chain transacylase E2; minus strand). Cytogenetic location: 1p21.2.
Variant type: single nucleotide variant.
Coding change: c.311A>T on transcript NM_001918.5 (MANE Select); coding-DNA position 311, A replaced by T.
Protein change: p.Asp104Val; replaces aspartic acid 104 with valine.
Molecular consequence: missense variant.
Genome position (GRCh38, 1-based): chr1:100,230,855, T>A on the plus strand (A>T on the coding strand, the complement: DBT is on the minus strand). VCF-style: chr1-100230855-T-A. GRCh37 (hg19) VCF-style: chr1-100696411-T-A.
Other names: short protein forms D104V.
Identifiers: ClinVar variation 1474388 (VCV001474388.6), dbSNP rs1553232188, ClinGen allele CA341344324.